The following is an entry in ClinVar:

ClinVar aggregate classification (germline): Uncertain significance (1 of 4 stars; one submission).

Allele frequency attached by ClinVar (database versions not stated): ExAC 0.00001; gnomAD 0.00001; gnomAD exomes 0.00001.
gnomAD v4.1: 9 of 1,613,798 alleles (0.00056%); highest among the groups gnomAD compares: African/African-American, 0.0013%; no homozygotes.

Submission:

Labcorp Genetics (formerly Invitae), Labcorp
Classification: Uncertain significance. Last evaluated: 2022-07-31. Review status: criteria provided, single submitter. Criteria: Invitae Variant Classification Sherloc (09022015). Collection method: clinical testing. Allele origin: germline.
Comment: In summary, the available evidence is currently insufficient to determine the role of this variant in disease. Therefore, it has been classified as a Variant of Uncertain Significance. Algorithms developed to predict the effect of missense changes on protein structure and function are either unavailable or do not agree on the potential impact of this missense change (SIFT: "Deleterious"; PolyPhen-2: "Probably Damaging"; Align-GVGD: "Class C0"). ClinVar contains an entry for this variant (Variation ID: 1011366). This variant has not been reported in the literature in individuals affected with IFT43-related conditions. This variant is present in population databases (rs770391250, gnomAD 0.005%). This sequence change replaces arginine, which is basic and polar, with histidine, which is basic and polar, at codon 24 of the IFT43 protein (p.Arg24His).

NM_001102564.3(IFT43):c.71G>A (p.Arg24His)

Gene: IFT43 (intraflagellar transport 43; plus strand). Cytogenetic location: 14q24.3.
Variant type: single nucleotide variant.
Coding change: c.71G>A on transcript NM_001102564.3 (MANE Select); coding-DNA position 71, G replaced by A.
Protein change: p.Arg24His; replaces arginine 24 with histidine.
Molecular consequence: missense variant. On other transcripts: non-coding transcript variant (2).
Genome position (GRCh38, 1-based): chr14:75,988,901, G>A. VCF-style: chr14-75988901-G-A. GRCh37 (hg19) VCF-style: chr14-76455244-G-A.
Other names: c.71G>A, p.Arg24His (NM_001255995.3, NM_052873.3); short protein forms R24H.
Identifiers: ClinVar variation 1011366 (VCV001011366.8), dbSNP rs770391250, ClinGen allele CA7280632.